The following is an entry in ClinVar:

ClinVar aggregate classification (germline): Uncertain significance (1 of 4 stars; one submission).

Submission:

GeneDx
Classification: Uncertain significance. Last evaluated: 2026-01-23. Review status: criteria provided, single submitter. Criteria: GeneDx Variant Classification Process June 2021. Collection method: clinical testing. Allele origin: germline.
Comment: Not observed at significant frequency in large population cohorts (gnomAD); In silico analysis supports that this missense variant has a deleterious effect on protein structure/function; Has not been previously published as pathogenic or benign to our knowledge; This variant is associated with the following publications: (PMID: 18184292)

NM_000702.4(ATP1A2):c.2270C>T (p.Thr757Met)

Gene: ATP1A2 (ATPase Na+/K+ transporting subunit alpha 2; plus strand). Cytogenetic location: 1q23.2.
Variant type: single nucleotide variant.
Coding change: c.2270C>T on transcript NM_000702.4 (MANE Select); coding-DNA position 2270, C replaced by T.
Protein change: p.Thr757Met; replaces threonine 757 with methionine.
Molecular consequence: missense variant.
Genome position (GRCh38, 1-based): chr1:160,135,588, C>T. VCF-style: chr1-160135588-C-T. GRCh37 (hg19) VCF-style: chr1-160105378-C-T.
Other names: short protein forms T757M.
Identifiers: ClinVar variation 3893553 (VCV003893553.2).